The following is an entry in ClinVar:

ClinVar aggregate classification (germline): Likely pathogenic (1 of 4 stars; one submission).

Conditions:
Autosomal recessive Alport syndrome (ATS2). Also called: Alport syndrome type 2; ALPORT SYNDROME 2, AUTOSOMAL RECESSIVE; COL4A4 Alport Syndrome and Thin Basement Membrane Nephropathy; COL4A3-Related Nephropathy. Identifiers: Orphanet 63, Orphanet 88919, MedGen C4746745, MONDO:0008762, OMIM 203780.

Submission:

3billion
Classification: Likely pathogenic for Autosomal recessive Alport syndrome. Last evaluated: 2024-07-17. Review status: criteria provided, single submitter. Criteria: ACMG Guidelines, 2015. Collection method: clinical testing. Allele origin: germline. Affected: yes.
Comment: The variant is not observed in the gnomAD v4.0.0 dataset. Predicted Consequence/Location: The variant is located in a mutational hot spot and/or well-established functional domain in which established pathogenic variants have been reported (PMID: 30311386). In silico tool predictions suggest damaging effect of the variant on gene or gene product [REVEL: 0.72 (>=0.6, sensitivity 0.68 and specificity 0.92); 3Cnet: 0.68 (>=0.6, sensitivity 0.72 and precision 0.9)]. A different missense change at the same codon (p.Gly367Ser) has been reported as pathogenic/likely pathogenic with strong evidence (ClinVar ID: VCV001453657 /PMID: 36130833). Therefore, this variant is classified as Likely pathogenic according to the recommendation of ACMG/AMP guideline.

Literature cited by the submitters: PubMed 36130833.

NM_000092.5(COL4A4):c.1099G>T (p.Gly367Cys)

Gene: COL4A4 (collagen type IV alpha 4 chain; minus strand). Cytogenetic location: 2q36.3.
Variant type: single nucleotide variant.
Coding change: c.1099G>T on transcript NM_000092.5 (MANE Select); coding-DNA position 1099, G replaced by T.
Protein change: p.Gly367Cys; replaces glycine 367 with cysteine.
Molecular consequence: missense variant.
Genome position (GRCh38, 1-based): chr2:227,099,620, C>A on the plus strand (G>T on the coding strand, the complement: COL4A4 is on the minus strand). VCF-style: chr2-227099620-C-A. GRCh37 (hg19) VCF-style: chr2-227964336-C-A.
Other names: short protein forms G367C.
Identifiers: ClinVar variation 4292769 (VCV004292769.1).
Genomic context (GRCh38, chr2:227,099,620, plus strand): 5'-CCTGGCCACTCAACTCCTATTTCTGCATAATTTATGGAGGAACTGAATAGGAACACAAAC[C>A]TTTGAGTGGAAGAGGTGGAGTCACCAAAACACCTGGTGGTCCTGGGTGCCCTCGATTTCC-3'
Protein context (NP_000083.3, residues 357-377): VLVTPPLPLK[Gly367Cys]PPGDPGFPGR